The following is an entry in ClinVar:

ClinVar aggregate classification (germline): Uncertain significance (1 of 4 stars; one submission).

gnomAD v4.1: 406 of 1,613,700 alleles (0.025%); highest among the groups gnomAD compares: Non-Finnish European, 0.033%; no homozygotes.

Submission:

CeGaT Center for Human Genetics Tuebingen
Classification: Uncertain significance. Last evaluated: 2024-08-01. Review status: criteria provided, single submitter. Criteria: CeGaT Center For Human Genetics Tuebingen Variant Classification Criteria Version 2. Collection method: clinical testing. Allele origin: germline. Affected: yes. Observed: 1 variant allele.
Comment: ADAMTS6: PM2, BP4

NM_197941.4(ADAMTS6):c.629C>T (p.Ser210Leu)

Gene: ADAMTS6 (ADAM metallopeptidase with thrombospondin type 1 motif 6; minus strand). Cytogenetic location: 5q12.3.
Variant type: single nucleotide variant.
Coding change: c.629C>T on transcript NM_197941.4 (MANE Select); coding-DNA position 629, C replaced by T.
Protein change: p.Ser210Leu; replaces serine 210 with leucine.
Molecular consequence: missense variant. On other transcripts: non-coding transcript variant (1).
Genome position (GRCh38, 1-based): chr5:65,460,172, G>A on the plus strand (C>T on the coding strand, the complement: ADAMTS6 is on the minus strand). VCF-style: chr5-65460172-G-A. GRCh37 (hg19) VCF-style: chr5-64755999-G-A.
Other names: short protein forms S210L.
Identifiers: ClinVar variation 3341708 (VCV003341708.16).